The following is an entry in ClinVar:

NM_002691.4(POLD1):c.2364G>C (p.Ser788=)

Gene: POLD1 (DNA polymerase delta 1, catalytic subunit; plus strand). Cytogenetic location: 19q13.33.
Variant type: single nucleotide variant.
Coding change: c.2364G>C on transcript NM_002691.4 (MANE Select); coding-DNA position 2364, G replaced by C.
Protein change: p.Ser788=; no amino-acid change (serine 788 retained).
Molecular consequence: synonymous variant. On other transcripts: non-coding transcript variant (1).
Genome position (GRCh38, 1-based): chr19:50,413,855, G>C. VCF-style: chr19-50413855-G-C. GRCh37 (hg19) VCF-style: chr19-50917112-G-C.
Other names: c.2364G>C, p.Ser788= (NM_001256849.1); c.2442G>C, p.Ser814= (NM_001308632.1).
Identifiers: ClinVar variation 414778 (VCV000414778.15), dbSNP rs545962328, ClinGen allele CA9596494.
Genomic context (GRCh38, chr19:50,413,855, plus strand): 5'-GGCTGAGGCGATGGCCCTGGGGCGGGAGGCCGCGGACTGGGTGTCAGGTCACTTCCCGTC[G>C]CCCATCCGGCTGGAGTTTGAGAAGGTGCGTGGCTGGGTCAGGGGCTCTGCATTTAGGTGC-3'
Protein context (NP_002682.2, residues 778-798): AADWVSGHFP[Ser788=]PIRLEFEKVY

ClinVar aggregate classification (germline): Likely benign. Review status: criteria provided, multiple submitters, no conflicts (2 of 4 stars). 4 submissions from 4 submitters: Likely benign (4). Last evaluated 2025-04-21.

Conditions:
Hereditary cancer-predisposing syndrome. Also called: Neoplastic Syndromes, Hereditary; Hereditary neoplastic syndrome; Hereditary Cancer Syndrome; Tumor predisposition. Identifiers: Orphanet 140162, MedGen C0027672, MeSH D009386, MONDO:0015356.
POLD1-related polyposis and colorectal cancer syndrome (CRCS10). Also called: Colorectal cancer, susceptibility to, 10; Colorectal cancer 10; COLORECTAL CANCER, SUSCEPTIBILITY TO, ON CHROMOSOME 19q. Identifiers: Orphanet 220460, MedGen C2675481, MONDO:0012953, OMIM 612591.

Allele frequency attached by ClinVar (database versions not stated): gnomAD 0.00001; TOPMed 0.00002; ExAC 0.00003; 1000 Genomes Project 30x 0.00016; 1000 Genomes Project 0.00020.
gnomAD v4.1: 3 of 1,606,818 alleles (0.00019%); highest among the groups gnomAD compares: East Asian, 0.0045%; no homozygotes.

Submissions (4):

Labcorp Genetics (formerly Invitae), Labcorp
Classification: Likely benign for POLD1-related polyposis and colorectal cancer syndrome. Last evaluated: 2025-04-21. Review status: criteria provided, single submitter. Criteria: Invitae Variant Classification Sherloc (09022015). Collection method: clinical testing. Allele origin: germline.

Blueprint Genetics
Classification: Likely benign. Last evaluated: 2023-12-15. Review status: criteria provided, single submitter. Criteria: ACMG Guidelines, 2015. Collection method: clinical testing. Allele origin: germline.

Ambry Genetics
Classification: Likely benign for Hereditary cancer-predisposing syndrome. Last evaluated: 2017-10-09. Review status: criteria provided, single submitter. Criteria: Ambry Variant Classification Scheme 2023. Collection method: clinical testing. Allele origin: germline.

GeneDx
Classification: Likely benign. Last evaluated: 2017-03-11. Review status: criteria provided, single submitter. Criteria: GeneDx Variant Classification (06012015). Collection method: clinical testing. Allele origin: germline. Affected: yes.
Comment: This variant is considered likely benign or benign based on one or more of the following criteria: it is a conservative change, it occurs at a poorly conserved position in the protein, it is predicted to be benign by multiple in silico algorithms, and/or has population frequency not consistent with disease.